The following is an entry in ClinVar:

ClinVar aggregate classification (germline): Uncertain significance. Review status: criteria provided, multiple submitters, no conflicts (2 of 4 stars). 2 submissions from 2 submitters: Uncertain significance (2). Last evaluated 2020-05-27.

Conditions:
Neuronopathy, distal hereditary motor, autosomal recessive 5. Also called: Young adult-onset distal hereditary motor neuropathy; NEUROPATHY, DISTAL HEREDITARY MOTOR, AUTOSOMAL RECESSIVE 5; Spinal muscular atrophy, distal, autosomal recessive, 5. Identifiers: Orphanet 314485, Orphanet 443950, MedGen C4749918, MONDO:0013947, OMIM 614881.

Allele frequency attached by ClinVar (database versions not stated): gnomAD 0.00001; gnomAD exomes 0.00001 and 0.00002; TOPMed 0.00001; ExAC 0.00002.

Submissions (2):

Labcorp Genetics (formerly Invitae), Labcorp
Classification: Uncertain significance for Neuronopathy, distal hereditary motor, autosomal recessive 5. Last evaluated: 2020-05-27. Review status: criteria provided, single submitter. Criteria: Invitae Variant Classification Sherloc (09022015). Collection method: clinical testing. Allele origin: germline.
Comment: This variant is present in population databases (rs747378005, ExAC 0.009%). In summary, the available evidence is currently insufficient to determine the role of this variant in disease. Therefore, it has been classified as a Variant of Uncertain Significance. Algorithms developed to predict the effect of sequence changes on RNA splicing suggest that this variant may create or strengthen a splice site, but this prediction has not been confirmed by published transcriptional studies. Algorithms developed to predict the effect of missense changes on protein structure and function (SIFT, PolyPhen-2, Align-GVGD) all suggest that this variant is likely to be disruptive, but these predictions have not been confirmed by published functional studies and their clinical significance is uncertain. This variant has not been reported in the literature in individuals with DNAJB2-related disease. This sequence change replaces arginine with tryptophan at codon 62 of the DNAJB2 protein (p.Arg62Trp). The arginine residue is highly conserved and there is a moderate physicochemical difference between arginine and tryptophan.

Revvity Omics, Revvity
Classification: Uncertain significance for Neuronopathy, distal hereditary motor, autosomal recessive 5. Last evaluated: 2019-10-03. Review status: criteria provided, single submitter. Criteria: ACMG Guidelines, 2015. Collection method: clinical testing. Allele origin: germline.

NM_006736.6(DNAJB2):c.184C>T (p.Arg62Trp)

Gene: DNAJB2 (DnaJ heat shock protein family (Hsp40) member B2; plus strand). Cytogenetic location: 2q35.
Variant type: single nucleotide variant.
Coding change: c.184C>T on transcript NM_006736.6 (MANE Select); coding-DNA position 184, C replaced by T.
Protein change: p.Arg62Trp; replaces arginine 62 with tryptophan.
Molecular consequence: missense variant.
Genome position (GRCh38, 1-based): chr2:219,281,726, C>T. VCF-style: chr2-219281726-C-T. GRCh37 (hg19) VCF-style: chr2-220146448-C-T.
Other names: c.184C>T, p.Arg62Trp (NM_001039550.2); short protein forms R62W.
Identifiers: ClinVar variation 540531 (VCV000540531.13), dbSNP rs747378005, ClinGen allele CA2122854.